The following is an entry in ClinVar:

NM_001145809.2(MYH14):c.5858G>A (p.Arg1953Gln)

Gene: MYH14 (myosin heavy chain 14; plus strand). Cytogenetic location: 19q13.33.
Variant type: single nucleotide variant.
Coding change: c.5858G>A on transcript NM_001145809.2 (MANE Select); coding-DNA position 5858, G replaced by A.
Protein change: p.Arg1953Gln; replaces arginine 1953 with glutamine.
Molecular consequence: missense variant.
Genome position (GRCh38, 1-based): chr19:50,309,075, G>A. VCF-style: chr19-50309075-G-A. GRCh37 (hg19) VCF-style: chr19-50812332-G-A.
Other names: c.5759G>A, p.Arg1920Gln (NM_001077186.2); c.5735G>A, p.Arg1912Gln (NM_024729.4); short protein forms R1953Q, R1912Q, R1920Q.
Identifiers: ClinVar variation 329951 (VCV000329951.12), dbSNP rs754203387, ClinGen allele CA9593918.

ClinVar aggregate classification (germline): Conflicting classifications of pathogenicity. Review status: criteria provided, conflicting classifications (1 of 4 stars). 5 submissions from 5 submitters: Uncertain significance (3); Likely benign (2). Last evaluated 2024-12-24.

Conditions:
Autosomal dominant nonsyndromic hearing loss 4A. Also called: Deafness, autosomal dominant 4A. Identifiers: Orphanet 90635, MedGen C1833503, MONDO:0010915, OMIM 600652.
Inborn genetic diseases. Identifiers: MedGen C0950123, MeSH D030342.

Allele frequency attached by ClinVar (database versions not stated): ExAC 0.00001; gnomAD 0.00001; TOPMed 0.00002; gnomAD exomes 0.00003.

Submissions (5):

Women's Health and Genetics/Laboratory Corporation of America, LabCorp
Classification: Likely benign. Last evaluated: 2024-12-24. Review status: criteria provided, single submitter. Criteria: LabCorp Variant Classification Summary - May 2015. Collection method: clinical testing. Allele origin: germline.
Comment: Variant summary: MYH14 c.5735G>A (p.Arg1912Gln) results in a conservative amino acid change located in the Myosin tail domain (IPR002928) of the encoded protein sequence. Three of five in-silico tools predict a damaging effect of the variant on protein function. The variant allele was found at a frequency of 1.6e-05 in 1606742 control chromosomes in the gnomAD database (v4.1 dataset). The observed variant frequency is approximately 25-fold of the estimated maximal expected allele frequency for a pathogenic variant in MYH14 causing Autosomal dominant nonsyndromic hearing loss 4A phenotype (6.3e-07). To our knowledge, no occurrence of c.5735G>A in individuals affected with Autosomal dominant nonsyndromic hearing loss 4A and no experimental evidence demonstrating its impact on protein function have been reported. ClinVar contains an entry for this variant (Variation ID: 329951). Based on the evidence outlined above, the variant was classified as likely benign.

Labcorp Genetics (formerly Invitae), Labcorp
Classification: Uncertain significance. Last evaluated: 2023-12-01. Review status: criteria provided, single submitter. Criteria: Invitae Variant Classification Sherloc (09022015). Collection method: clinical testing. Allele origin: germline.
Comment: This sequence change replaces arginine, which is basic and polar, with glutamine, which is neutral and polar, at codon 1912 of the MYH14 protein (p.Arg1912Gln). This variant is present in population databases (rs754203387, gnomAD 0.01%). This variant has not been reported in the literature in individuals affected with MYH14-related conditions. ClinVar contains an entry for this variant (Variation ID: 329951). Advanced modeling of protein sequence and biophysical properties (such as structural, functional, and spatial information, amino acid conservation, physicochemical variation, residue mobility, and thermodynamic stability) performed at Invitae indicates that this missense variant is not expected to disrupt MYH14 protein function with a negative predictive value of 80%. In summary, the available evidence is currently insufficient to determine the role of this variant in disease. Therefore, it has been classified as a Variant of Uncertain Significance.

Ambry Genetics
Classification: Uncertain significance for Inborn genetic diseases. Last evaluated: 2022-10-26. Review status: criteria provided, single submitter. Criteria: Ambry Variant Classification Scheme 2023. Collection method: clinical testing. Allele origin: germline.

Blueprint Genetics
Classification: Likely benign. Last evaluated: 2020-04-20. Review status: criteria provided, single submitter. Criteria: ACMG Guidelines, 2015. Collection method: clinical testing. Allele origin: germline.

Illumina Laboratory Services, Illumina
Classification: Uncertain significance for Autosomal dominant nonsyndromic hearing loss 4A. Last evaluated: 2018-01-12. Review status: criteria provided, single submitter. Criteria: ICSL Variant Classification Criteria 13 December 2019. Collection method: clinical testing. Allele origin: germline.